The following is an entry in ClinVar:

NM_001035.3(RYR2):c.579C>T (p.His193=)

Gene: RYR2 (ryanodine receptor 2; plus strand). Cytogenetic location: 1q43.
Variant type: single nucleotide variant.
Coding change: c.579C>T on transcript NM_001035.3 (MANE Select); coding-DNA position 579, C replaced by T.
Protein change: p.His193=; no amino-acid change (histidine 193 retained).
Molecular consequence: synonymous variant.
Genome position (GRCh38, 1-based): chr1:237,387,283, C>T. VCF-style: chr1-237387283-C-T. GRCh37 (hg19) VCF-style: chr1-237550583-C-T.
Identifiers: ClinVar variation 1650606 (VCV001650606.5), dbSNP rs1321878462, ClinGen allele CA423809208.
Genomic context (GRCh38, chr1:237,387,283, plus strand): 5'-TTACATGTTACAGCTTACCAGAGCCTGAAGTGATGCCTCCTTTTGCCTCTTGATACAGCA[C>T]TTGTCTTATGGCAACGGCAGCTTACACGTGGATGCCGCTTTCCAGCAGACTCTCTGGAGC-3'
Protein context (NP_001026.2, residues 183-203): LVSVSSERYL[His193=]LSYGNGSLHV

ClinVar aggregate classification (germline): Likely benign. Review status: criteria provided, multiple submitters, no conflicts (2 of 4 stars). 2 submissions from 2 submitters: Likely benign (2). Last evaluated 2023-10-02.

Conditions:
Catecholaminergic polymorphic ventricular tachycardia (CVPT). Also called: Catecholamine-induced polymorphic ventricular tachycardia. Identifiers: Orphanet 3286, MedGen C5574922, MONDO:0017990.

Allele frequency attached by ClinVar (database versions not stated): gnomAD exomes 0.00001.
gnomAD v4.1: 3 of 1,613,980 alleles (0.00019%); highest among the groups gnomAD compares: Admixed American, 0.0033%; no homozygotes.

Submissions (2):

All of Us Research Program, National Institutes of Health
Classification: Likely benign for Catecholaminergic polymorphic ventricular tachycardia. Last evaluated: 2023-10-02. Review status: criteria provided, single submitter. Criteria: ACMG Guidelines, 2015. Collection method: clinical testing. Allele origin: germline. Inheritance: Autosomal dominant inheritance. Observed: 1 variant allele, 1 heterozygote.
Comment: This study involves interpretation of variants in research participants for the purpose of population health screening. Participant phenotype was not available at the time of variant classification. Additional details can be found in publication PMID: 35346344, PMCID: PMC8962531

Labcorp Genetics (formerly Invitae), Labcorp
Classification: Likely benign for Catecholaminergic polymorphic ventricular tachycardia 1. Last evaluated: 2021-02-20. Review status: criteria provided, single submitter. Criteria: Invitae Variant Classification Sherloc (09022015). Collection method: clinical testing. Allele origin: germline.